The following is an entry in ClinVar:

ClinVar aggregate classification (germline): Uncertain significance (1 of 4 stars; one submission).

Conditions:
Epilepsy, familial focal, with variable foci 3 (FFEVF3). Identifiers: MedGen C4310708, MONDO:0014925, OMIM 617118.

Submission:

Labcorp Genetics (formerly Invitae), Labcorp
Classification: Uncertain significance for Epilepsy, familial focal, with variable foci 3. Last evaluated: 2022-11-20. Review status: criteria provided, single submitter. Criteria: Invitae Variant Classification Sherloc (09022015). Collection method: clinical testing. Allele origin: germline.
Comment: In summary, the available evidence is currently insufficient to determine the role of this variant in disease. Therefore, it has been classified as a Variant of Uncertain Significance. Advanced modeling of protein sequence and biophysical properties (such as structural, functional, and spatial information, amino acid conservation, physicochemical variation, residue mobility, and thermodynamic stability) performed at Invitae indicates that this missense variant is expected to disrupt NPRL3 protein function. This variant has not been reported in the literature in individuals affected with NPRL3-related conditions. This variant is not present in population databases (gnomAD no frequency). This sequence change replaces glutamic acid, which is acidic and polar, with glycine, which is neutral and non-polar, at codon 528 of the NPRL3 protein (p.Glu528Gly).

NM_001077350.3(NPRL3):c.1583A>G (p.Glu528Gly)

Gene: NPRL3 (NPR3 like, GATOR1 complex subunit; minus strand). Cytogenetic location: 16p13.3.
Variant type: single nucleotide variant.
Coding change: c.1583A>G on transcript NM_001077350.3 (MANE Select); coding-DNA position 1583, A replaced by G.
Protein change: p.Glu528Gly; replaces glutamic acid 528 with glycine.
Molecular consequence: missense variant.
Genome position (GRCh38, 1-based): chr16:86,832, T>C on the plus strand (A>G on the coding strand, the complement: NPRL3 is on the minus strand). VCF-style: chr16-86832-T-C. GRCh37 (hg19) VCF-style: chr16-136831-T-C.
Other names: c.1046A>G, p.Glu349Gly (NM_001039476.3); c.1349A>G, p.Glu450Gly (NM_001243247.2); c.1508A>G, p.Glu503Gly (NM_001243248.2, NM_001243249.2); short protein forms E450G, E349G, E503G, E528G.
Identifiers: ClinVar variation 2814047 (VCV002814047.3), dbSNP rs2542791613, ClinGen allele CA394045386.
Genomic context (GRCh38, chr16:86,832, plus strand): 5'-CGGAACTTGTCAAACAGCATGAGCAGCTGGGAGCGCCGCGTGTTCTCGTTGTACATAATC[T>C]CCTCCAGGTGGTGGCGGCCGCGGAAGTAGTGAAGGAGCCTGGAAGGGATGGGTGGGTGTG-3'
Protein context (NP_001070818.1, residues 518-538): HYFRGRHHLE[Glu528Gly]IMYNENTRRS